The following is an entry in ClinVar:

NM_013266.4(CTNNA3):c.1558A>C (p.Lys520Gln)

Gene: CTNNA3 (catenin alpha 3; minus strand). Cytogenetic location: 10q21.3.
Variant type: single nucleotide variant.
Coding change: c.1558A>C on transcript NM_013266.4 (MANE Select); coding-DNA position 1558, A replaced by C.
Protein change: p.Lys520Gln; replaces lysine 520 with glutamine.
Molecular consequence: missense variant.
Genome position (GRCh38, 1-based): chr10:66,379,326, T>G on the plus strand (A>C on the coding strand, the complement: CTNNA3 is on the minus strand). VCF-style: chr10-66379326-T-G. GRCh37 (hg19) VCF-style: chr10-68139084-T-G.
Other names: c.1558A>C, p.Lys520Gln (NM_001127384.3); short protein forms K520Q.
Identifiers: ClinVar variation 2142182 (VCV002142182.4), dbSNP rs144269113, ClinGen allele CA5519897.
Genomic context (GRCh38, chr10:66,379,326, plus strand): 5'-TAGCACCCGCAGCACGGTCTAAATTATCAGCATCCTGGTCTCTTAAGGCTATGATACACT[T>G]GTTGACATCTTCCAAGATATGGCTTTCTGTAAGTAAATGAATCAAATTAGTTTTTGCGTG-3'
Protein context (NP_037398.2, residues 510-530): SESHILEDVN[Lys520Gln]CIIALRDQDA

ClinVar aggregate classification (germline): Uncertain significance (1 of 4 stars; one submission).

Conditions:
Arrhythmogenic right ventricular dysplasia 13. Also called: ARRHYTHMOGENIC RIGHT VENTRICULAR CARDIOMYOPATHY 13; Arrhythmogenic right ventricular dysplasia, familial, 13. Identifiers: MedGen C3810138, MONDO:0000908, OMIM 615616.

Allele frequency attached by ClinVar (database versions not stated): gnomAD exomes below 0.00001; ExAC 0.00002; gnomAD 0.00002; ESP Exome Variant Server 0.00023.
gnomAD v4.1: 7 of 1,614,012 alleles (0.00043%); highest among the groups gnomAD compares: African/African-American, 0.0053%; no homozygotes.

Submission:

Labcorp Genetics (formerly Invitae), Labcorp
Classification: Uncertain significance for Arrhythmogenic right ventricular dysplasia 13. Last evaluated: 2024-10-30. Review status: criteria provided, single submitter. Criteria: Invitae Variant Classification Sherloc (09022015). Collection method: clinical testing. Allele origin: germline.
Comment: This sequence change replaces lysine, which is basic and polar, with glutamine, which is neutral and polar, at codon 520 of the CTNNA3 protein (p.Lys520Gln). This variant is present in population databases (rs144269113, gnomAD 0.03%). This variant has not been reported in the literature in individuals affected with CTNNA3-related conditions. ClinVar contains an entry for this variant (Variation ID: 2142182). Invitae Evidence Modeling of protein sequence and biophysical properties (such as structural, functional, and spatial information, amino acid conservation, physicochemical variation, residue mobility, and thermodynamic stability) indicates that this missense variant is not expected to disrupt CTNNA3 protein function with a negative predictive value of 80%. In summary, the available evidence is currently insufficient to determine the role of this variant in disease. Therefore, it has been classified as a Variant of Uncertain Significance.